The following is an entry in ClinVar:

ClinVar aggregate classification (germline): Benign/Likely benign. Review status: criteria provided, multiple submitters, no conflicts (2 of 4 stars). 4 submissions from 4 submitters: Benign (1); Likely benign (3). Last evaluated 2025-12-17.

Conditions:
Hereditary nonpolyposis colorectal neoplasms. Identifiers: MedGen C0009405, MeSH D003123.
Lynch syndrome 5 (LYNCH5). Also called: Colorectal cancer, hereditary nonpolyposis, type 5; Hereditary non-polyposis colorectal cancer, type 5. Identifiers: Orphanet 144, MedGen C1833477, MONDO:0013710, OMIM 614350. Disease mechanism: loss of function.
Hereditary cancer-predisposing syndrome. Also called: Neoplastic Syndromes, Hereditary; Tumor predisposition; Hereditary Cancer Syndrome; Hereditary neoplastic syndrome. Identifiers: Orphanet 140162, MedGen C0027672, MeSH D009386, MONDO:0015356.

Allele frequency attached by ClinVar (database versions not stated): TOPMed 0.00001.

Submissions (4):

Labcorp Genetics (formerly Invitae), Labcorp
Classification: Likely benign for Hereditary nonpolyposis colorectal neoplasms. Last evaluated: 2025-12-17. Review status: criteria provided, single submitter. Criteria: Invitae Variant Classification Sherloc (09022015). Collection method: clinical testing. Allele origin: germline.

Myriad Genetics, Inc.
Classification: Benign for Lynch syndrome 5. Last evaluated: 2025-01-03. Review status: criteria provided, single submitter. Criteria: Myriad Autosomal Dominant, Autosomal Recessive and X-Linked Classification Criteria (2023). Collection method: clinical testing. Allele origin: unknown.
Comment: This variant is considered benign. This variant is a silent/synonymous amino acid change and it is not expected to impact splicing.

Quest Diagnostics Nichols Institute San Juan Capistrano
Classification: Likely benign. Last evaluated: 2023-02-08. Review status: criteria provided, single submitter. Criteria: Quest Diagnostics criteria. Collection method: clinical testing. Allele origin: unknown.

Ambry Genetics
Classification: Likely benign for Hereditary cancer-predisposing syndrome. Last evaluated: 2021-05-18. Review status: criteria provided, single submitter. Criteria: Ambry Variant Classification Scheme 2023. Collection method: clinical testing. Allele origin: germline.

NM_000179.3(MSH6):c.3147T>G (p.Ser1049=)

Gene: MSH6 (mutS homolog 6; plus strand). Cytogenetic location: 2p16.3.
Variant type: single nucleotide variant.
Coding change: c.3147T>G on transcript NM_000179.3 (MANE Select); coding-DNA position 3147, T replaced by G.
Protein change: p.Ser1049=; no amino-acid change (serine 1049 retained).
Molecular consequence: synonymous variant.
Genome position (GRCh38, 1-based): chr2:47,801,130, T>G. VCF-style: chr2-47801130-T-G. GRCh37 (hg19) VCF-style: chr2-48028269-T-G.
Other names: c.2757T>G, p.Ser919= (NM_001281492.2); c.2241T>G, p.Ser747= (NM_001281493.2, NM_001281494.2).
Identifiers: ClinVar variation 525947 (VCV000525947.14), dbSNP rs771340595, ClinGen allele CA426122035.